The following is an entry in ClinVar:

NM_181552.4(CUX1):c.3184A>G (p.Ser1062Gly)

Gene: CUX1 (cut like homeobox 1; plus strand). Cytogenetic location: 7q22.1.
Variant type: single nucleotide variant.
Coding change: c.3184A>G on transcript NM_181552.4 (MANE Select); coding-DNA position 3184, A replaced by G.
Protein change: p.Ser1062Gly; replaces serine 1062 with glycine.
Molecular consequence: missense variant. On other transcripts: intron variant (5).
Genome position (GRCh38, 1-based): chr7:102,227,420, A>G. VCF-style: chr7-102227420-A-G. GRCh37 (hg19) VCF-style: chr7-101870700-A-G.
Other names: c.3217A>G, p.Ser1073Gly (NM_001202543.2); c.1255+31817A>G (NM_001913.5); c.1249+31817A>G (NM_181500.4); c.1117+31817A>G (NM_001202545.3); c.1207+31817A>G (NM_001202544.3); c.1138+31817A>G (NM_001202546.3); short protein forms S1062G, S1073G.
Identifiers: ClinVar variation 4875397 (VCV004875397.2).

ClinVar aggregate classification (germline): Uncertain significance (1 of 4 stars; one submission).

Submission:

CeGaT Center for Human Genetics Tuebingen
Classification: Uncertain significance. Last evaluated: 2026-07-01. Review status: criteria provided, single submitter. Criteria: CeGaT Center For Human Genetics Tuebingen Variant Classification Criteria Version 2. Collection method: clinical testing. Allele origin: germline. Affected: yes. Observed: 1 variant allele.
Comment: CUX1: PM2, PP2